The following is an entry in ClinVar:

NM_021625.5(TRPV4):c.2389G>A (p.Glu797Lys)

Gene: TRPV4 (transient receptor potential cation channel subfamily V member 4; minus strand). Cytogenetic location: 12q24.11.
Variant type: single nucleotide variant.
Coding change: c.2389G>A on transcript NM_021625.5 (MANE Select); coding-DNA position 2389, G replaced by A.
Protein change: p.Glu797Lys; replaces glutamic acid 797 with lysine.
Molecular consequence: missense variant.
Genome position (GRCh38, 1-based): chr12:109,784,385, C>T on the plus strand (G>A on the coding strand, the complement: TRPV4 is on the minus strand). VCF-style: chr12-109784385-C-T. GRCh37 (hg19) VCF-style: chr12-110222190-C-T.
Other names: E797K; c.[2389G>A] (NM_021625.4); c.2248G>A, p.Glu750Lys (NM_001177428.2); c.2287G>A, p.Glu763Lys (NM_001177431.2); c.2068G>A, p.Glu690Lys (NM_001177433.2); c.2209G>A, p.Glu737Lys (NM_147204.3); short protein forms E690K, E750K, E763K, E737K.
Identifiers: ClinVar variation 18435 (VCV000018435.21), dbSNP rs267607149, ClinGen allele CA117195.

ClinVar aggregate classification (germline): Pathogenic/Likely pathogenic. Review status: criteria provided, multiple submitters, no conflicts (2 of 4 stars). 11 submissions from 9 submitters: Pathogenic (6); Likely pathogenic (1). 4 of the submissions do not count toward it. Last evaluated 2025-09-02.

Conditions:
TRPV4-related disorder. Also called: TRPV4-related condition; TRPV4-related disorders.
Neuromuscular disease. Also called: Neuromuscular disorder; Neuromyopathy. Identifiers: Orphanet 68381, MedGen C0027868, MeSH D009468, MONDO:0019056.
Skeletal dysplasia. Also called: Primary bone dysplasia. Identifiers: Orphanet 364526, MedGen C0410528, MONDO:0018230, HP:0002652.
Scapuloperoneal spinal muscular atrophy (SPSMA). Also called: Scapuloperoneal Spinal Muscular Atrophy, TRPV4-Related; AMYOTROPHY, NEUROGENIC SCAPULOPERONEAL, NEW ENGLAND TYPE; Scapuloperoneal Form of Spinal Muscular Atrophy; Scapuloperoneal spinal muscular atrophy, autosomal dominant. Identifiers: Orphanet 431255, MedGen C0751335, MONDO:0008408, OMIM 181405.
Spondyloepimetaphyseal dysplasia, Maroteaux type (SEDM). Also called: PSEUDO-MORQUIO SYNDROME, TYPE 2; Spondyloepimetaphyseal Dysplasia, TRPV4-Related (Maroteaux Type); SED, MAROTEAUX TYPE. Identifiers: Orphanet 263482, MedGen C3159322, MONDO:0008473, OMIM 184095.
Charcot-Marie-Tooth disease axonal type 2C (HMSN2C). Also called: Charcot-Marie-Tooth Disease Type 2, TRPV4-Related (CMT2C); CHARCOT-MARIE-TOOTH DISEASE, AXONAL, AUTOSOMAL DOMINANT, TYPE 2C; Charcot-Marie-Tooth Neuropathy Type 2C. Identifiers: Orphanet 99937, MedGen C1853710, MONDO:0011633, OMIM 606071.
Spondylometaphyseal dysplasia, Kozlowski type (SMDK). Also called: Dysmorphism arthrogryposis skeletal maturation advanced; Jequier-Kozlowski syndrome; Skeletal dysplasia Jequier-Kozlowski type; SMD Kozlowski type; Spondylometaphyseal Dysplasia, TRPV4-Related (Kozlowski Type). Identifiers: Orphanet 93314, MedGen C0265280, MONDO:0008477, OMIM 184252.
Brachyrachia (short spine dysplasia) (BCYM3). Also called: Brachyolmia, TRPV4-Related; Brachyolmia Type 3; BRACHYRACHIA; Autosomal dominant brachyolmia. Identifiers: Orphanet 93304, MedGen C0432227, MONDO:0007232, OMIM 113500.
Metatropic dysplasia (MTD). Also called: METATROPIC DWARFISM; Metatropic Dysplasia, TRPV4-Related; Metatropic dysplasia, nonlethal dominant. Identifiers: Orphanet 2635, MedGen C0265281, MONDO:0007986, OMIM 156530.

Submissions (11):

3billion
Classification: Pathogenic for TRPV4-related disorder. Last evaluated: 2025-09-02. Review status: criteria provided, single submitter. Criteria: ACMG Guidelines, 2015. Collection method: clinical testing. Allele origin: germline. Affected: yes.
Comment: The variant is not observed in the gnomAD v4.1.0 dataset. Predicted Consequence/Location: Missense variant. Missense changes are a common disease-causing mechanism. In silico tool predictions suggest damaging effect of the variant on gene or gene product [REVEL: 0.84 (>=0.6, sensitivity 0.68 and specificity 0.92); 3Cnet: 0.99 (> 0.75, sensitivity 0.96 and precision 0.92)]. The same nucleotide change resulting in the same amino acid change has been previously reported as pathogenic/likely pathogenic with strong evidence (ClinVar ID: VCV000018435 /PMID: 20425821). A different missense change at the same codon (p.Glu797Asp) has been reported as pathogenic/likely pathogenic with strong evidence (ClinVar ID: VCV000834081 /PMID: 34529350). Therefore, this variant is classified as Pathogenic according to the recommendation of ACMG/AMP guideline.

Labcorp Genetics (formerly Invitae), Labcorp
Classification: Pathogenic for Charcot-Marie-Tooth disease axonal type 2C. Last evaluated: 2023-08-10. Review status: criteria provided, single submitter. Criteria: Invitae Variant Classification Sherloc (09022015). Collection method: clinical testing. Allele origin: germline.
Comment: For these reasons, this variant has been classified as Pathogenic. This variant disrupts the p.Glu797 amino acid residue in TRPV4. Other variant(s) that disrupt this residue have been observed in individuals with TRPV4-related conditions (PMID: 34529350), which suggests that this may be a clinically significant amino acid residue. Experimental studies have shown that this missense change affects TRPV4 function (PMID: 21573172, 26170305). Advanced modeling of protein sequence and biophysical properties (such as structural, functional, and spatial information, amino acid conservation, physicochemical variation, residue mobility, and thermodynamic stability) has been performed at Invitae for this missense variant, however the output from this modeling did not meet the statistical confidence thresholds required to predict the impact of this variant on TRPV4 protein function. ClinVar contains an entry for this variant (Variation ID: 18435). This missense change has been observed in individuals with clinical features of spondylometaphyseal dysplasia (PMID: 20425821, 20503319, 20577006; Invitae). This variant is not present in population databases (gnomAD no frequency). This sequence change replaces glutamic acid, which is acidic and polar, with lysine, which is basic and polar, at codon 797 of the TRPV4 protein (p.Glu797Lys).

GeneDx
Classification: Pathogenic. Last evaluated: 2019-12-16. Review status: criteria provided, single submitter. Criteria: GeneDx Variant Classification Process June 2021. Collection method: clinical testing. Allele origin: germline. Affected: yes.
Comment: Reported previously in multiple individuals with TRPV4-related disorders including metatropic dysplasia and spondylo-epimetaphyseal dysplasia, Maroteaux-pseudo-Morquio type 2 (Camacho et al., 2010; Nishimura et al., 2010); Published functional studies demonstrate a damaging effect: increased basal activity and a reduced response to calmodulin (Loukin et al., 2015); Not observed in large population cohorts (Lek et al., 2016); This variant is associated with the following publications: (PMID: 12765694, 20676052, 23143559, 20577006, 26170305, 21573172, 20503319, 20425821)

Baylor Genetics
Classification: Pathogenic for Brachyrachia (short spine dysplasia). Last evaluated: 2019-05-30. Review status: criteria provided, single submitter. Criteria: ACMG Guidelines, 2015. Collection method: clinical testing. Allele origin: unknown. Affected: yes.
Comment: This variant was determined to be pathogenic according to ACMG Guidelines, 2015 [PMID:25741868]. This variant has been previously reported as disease-causing [PMID 20425821, 20577006, 21573172, 26170305, 20503319]

Blueprint Genetics
Classification: Likely pathogenic for TRPV4-related disorders. Last evaluated: 2018-03-01. Review status: criteria provided, single submitter. Criteria: ACMG Guidelines, 2015. Collection method: clinical testing. Allele origin: germline. Affected: yes. Observed: 1 variant allele.

Kasturba Medical College, Manipal, Kasturba Medical College, Manipal, Manipal Academy of Higher Education, Manipal, India
Classification: Pathogenic for Spondylometaphyseal dysplasia, Kozlowski type. Review status: criteria provided, single submitter. Criteria: ACMG Guidelines, 2015. Collection method: clinical testing. Allele origin: de novo. Inheritance: Autosomal dominant inheritance. Affected: yes.

Neuberg Centre For Genomic Medicine, NCGM
Classification: Pathogenic for Scapuloperoneal spinal muscular atrophy. Review status: criteria provided, single submitter. Criteria: ACMG Guidelines, 2015. Collection method: clinical testing. Allele origin: germline. Affected: yes.
Comment: The missense variant p.E797K in TRPV4 (NM_021625.5) has been reported in multiple affected individuals (Nishimura G et al; Dai J et al). It has been submitted to ClinVar as Pathogenic. The p.E797K variant is novel (not in any individuals) in gnomAD Exomes and is novel (not in any individuals) in 1000 Genomes. The p.E797K missense variant is predicted to be damaging by both SIFT and PolyPhen2. The glutamic acid residue at codon 797 of TRPV4 is conserved in all mammalian species. The nucleotide c.2389 in TRPV4 is predicted conserved by GERP++ and PhyloP across 100 vertebrates. For these reasons, this variant has been classified as Pathogenic.

OMIM
Classification: Pathogenic for SPONDYLOMETAPHYSEAL DYSPLASIA, KOZLOWSKI TYPE. Last evaluated: 2010-10-01. Review status: no assertion criteria provided. Collection method: literature only. Allele origin: germline. Not counted in ClinVar's aggregate classification.

OMIM
Classification: Pathogenic for SPONDYLOEPIPHYSEAL DYSPLASIA, MAROTEAUX TYPE. Last evaluated: 2010-10-01. Review status: no assertion criteria provided. Collection method: literature only. Allele origin: germline. Not counted in ClinVar's aggregate classification.

OMIM
Classification: Pathogenic for METATROPIC DYSPLASIA. Last evaluated: 2010-10-01. Review status: no assertion criteria provided. Collection method: literature only. Allele origin: germline. Not counted in ClinVar's aggregate classification.

GeneReviews
No classification provided. Condition: Neuromuscular disease; Skeletal dysplasia. Review status: no classification provided. Collection method: literature only. Allele origin: germline. Affected: yes. Not counted in ClinVar's aggregate classification.

Literature cited by the submitters: PubMed 20425821 (cited by 4 submitters); PubMed 34529350 (cited by 3billion and Labcorp Genetics (formerly Invitae), Labcorp); PubMed 21573172 (cited by Labcorp Genetics (formerly Invitae), Labcorp and Baylor Genetics); PubMed 26170305 (cited by Labcorp Genetics (formerly Invitae), Labcorp and Baylor Genetics); PubMed 20503319 (cited by 3 submitters); PubMed 20577006 (cited by 4 submitters); NCBI Bookshelf NBK201366 (cited by GeneReviews).